The following is an entry in ClinVar:

NM_032447.5(FBN3):c.1782C>G (p.Phe594Leu)

Gene: FBN3 (fibrillin 3; minus strand). Cytogenetic location: 19p13.2.
Variant type: single nucleotide variant.
Coding change: c.1782C>G on transcript NM_032447.5 (MANE Select); coding-DNA position 1782, C replaced by G.
Protein change: p.Phe594Leu; replaces phenylalanine 594 with leucine.
Molecular consequence: missense variant.
Genome position (GRCh38, 1-based): chr19:8,131,762, G>C on the plus strand (C>G on the coding strand, the complement: FBN3 is on the minus strand). VCF-style: chr19-8131762-G-C. GRCh37 (hg19) VCF-style: chr19-8196646-G-C.
Other names: c.1782C>G, p.Phe594Leu (NM_001321431.2); short protein forms F594L.
Identifiers: ClinVar variation 4023497 (VCV004023497.2).

ClinVar aggregate classification (germline): Uncertain significance. Review status: criteria provided, multiple submitters, no conflicts (2 of 4 stars). 2 submissions from 2 submitters: Uncertain significance (2). Last evaluated 2025-09-24.

gnomAD v4.1: 2 of 1,613,188 alleles (0.00012%); highest among the groups gnomAD compares: African/African-American, 0.0027%; no homozygotes.

Submissions (2):

Labcorp Genetics (formerly Invitae), Labcorp
Classification: Uncertain significance. Last evaluated: 2025-09-24. Review status: criteria provided, single submitter. Criteria: Invitae Variant Classification Sherloc (09022015). Collection method: clinical testing. Allele origin: germline.
Comment: This sequence change replaces phenylalanine, which is neutral and non-polar, with leucine, which is neutral and non-polar, at codon 594 of the FBN3 protein (p.Phe594Leu). This variant is not present in population databases (gnomAD no frequency). This variant has not been reported in the literature in individuals affected with FBN3-related conditions. ClinVar contains an entry for this variant (Variation ID: 4023497). Invitae Evidence Modeling of protein sequence and biophysical properties (such as structural, functional, and spatial information, amino acid conservation, physicochemical variation, residue mobility, and thermodynamic stability) indicates that this missense variant is not expected to disrupt FBN3 protein function with a negative predictive value of 80%. In summary, the available evidence is currently insufficient to determine the role of this variant in disease. Therefore, it has been classified as a Variant of Uncertain Significance.

Ambry Genetics
Classification: Uncertain significance. Last evaluated: 2025-04-13. Review status: criteria provided, single submitter. Criteria: Ambry Variant Classification Scheme 2023. Collection method: clinical testing. Allele origin: germline.